The following is an entry in ClinVar:

NM_000094.4(COL7A1):c.5330dup (p.Asp1778fs)

Gene: COL7A1 (collagen type VII alpha 1 chain; minus strand). Cytogenetic location: 3p21.31.
Variant type: Duplication.
Coding change: c.5330dup on transcript NM_000094.4 (MANE Select); coding-DNA position 5330, one base duplicated (T; older notation c.5330dupT).
Protein change: p.Asp1778fs; shifts the reading frame from aspartic acid 1778.
Molecular consequence: frameshift variant.
Genome position (GRCh38, 1-based): chr3:48,579,255, A duplicated on the plus strand (T on the coding strand, the reverse complement: COL7A1 is on the minus strand). VCF-style (leftmost placement, unchanged base first): chr3-48579254-C-CA. GRCh37 (hg19) VCF-style: chr3-48616687-C-CA.
Other names: short protein forms D1778fs.
Identifiers: ClinVar variation 5013369 (VCV005013369.1).

ClinVar aggregate classification (germline): Pathogenic (1 of 4 stars; one submission).

Conditions:
Recessive dystrophic epidermolysis bullosa (RDEB). Also called: DYSTROPHIC EPIDERMOLYSIS BULLOSA, AUTOSOMAL RECESSIVE; EPIDERMOLYSIS BULLOSA DYSTROPHICA, HALLOPEAU-SIEMENS TYPE; Hallopeau-Siemens Disease; severe generalized recessive dystrophic epidermolysis bullosa; EPIDERMOLYSIS BULLOSA DYSTROPHICA, GENERALIZED SEVERE, AUTOSOMAL RECESSIVE; Epidermolysis Bullosa Distrophica Autosomal Recessive (RDEB). Identifiers: Orphanet 79408, Orphanet 79409, MedGen C0079474, MONDO:0009179, OMIM 226600.

Submission:

Myriad Genetics, Inc.
Classification: Pathogenic for Recessive dystrophic epidermolysis bullosa. Last evaluated: 2024-07-25. Review status: criteria provided, single submitter. Criteria: Myriad Autosomal Dominant, Autosomal Recessive and X-Linked Classification Criteria (2023). Collection method: clinical testing. Allele origin: unknown.
Comment: NM_000094.3(COL7A1):c.5330dupT(D1778Gfs*94) is expected to be pathogenic in the context of dystrophic epidermolysis bullosa. This variant is predicted to lead to an abnormal or absent protein product due to the creation of a premature termination codon in COL7A1, a gene where loss-of-function variants are known to be pathogenic. Please note: this variant was assessed in the context of healthy population screening.